The following is an entry in ClinVar:

ClinVar aggregate classification (germline): Uncertain significance (1 of 4 stars; one submission).

Conditions:
Long QT syndrome (LQTS). Identifiers: MedGen C0023976, MeSH D008133, MONDO:0002442. Disease mechanism: loss of function. Inheritance: Various modes of inheritance.

Allele frequency attached by ClinVar (database versions not stated): gnomAD exomes below 0.00001; TOPMed 0.00001.
gnomAD v4.1: 1 of 1,614,086 alleles (0.000062%); highest among the groups gnomAD compares: Admixed American, 0.0017%; no homozygotes.

Submission:

Labcorp Genetics (formerly Invitae), Labcorp
Classification: Uncertain significance for Long QT syndrome. Last evaluated: 2018-12-22. Review status: criteria provided, single submitter. Criteria: Invitae Variant Classification Sherloc (09022015). Collection method: clinical testing. Allele origin: germline.
Comment: Algorithms developed to predict the effect of missense changes on protein structure and function output the following: SIFT: "Tolerated"; PolyPhen-2: "Benign"; Align-GVGD: "Class C0". The glycine amino acid residue is found in multiple mammalian species, suggesting that this missense change does not adversely affect protein function. These predictions have not been confirmed by published functional studies and their clinical significance is uncertain. In summary, the available evidence is currently insufficient to determine the role of this variant in disease. Therefore, it has been classified as a Variant of Uncertain Significance. This variant has not been reported in the literature in individuals with ANK2-related disease. This variant is not present in population databases (ExAC no frequency). This sequence change replaces serine with glycine at codon 1577 of the ANK2 protein (p.Ser1577Gly). The serine residue is weakly conserved and there is a small physicochemical difference between serine and glycine.

NM_001148.6(ANK2):c.4729A>G (p.Ser1577Gly)

Gene: ANK2 (ankyrin 2; plus strand). Cytogenetic location: 4q26.
Variant type: single nucleotide variant.
Coding change: c.4729A>G on transcript NM_001148.6 (MANE Select); coding-DNA position 4729, A replaced by G.
Protein change: p.Ser1577Gly; replaces serine 1577 with glycine.
Molecular consequence: missense variant. On other transcripts: intron variant (68).
Genome position (GRCh38, 1-based): chr4:113,353,347, A>G. VCF-style: chr4-113353347-A-G. GRCh37 (hg19) VCF-style: chr4-114274503-A-G.
Other names: c.4495A>G, p.Ser1499Gly (NM_001386142.1); c.1129A>G, p.Ser377Gly (NM_001386166.1); c.4870A>G, p.Ser1624Gly (NM_001386174.1); c.4846A>G, p.Ser1616Gly (NM_001386175.1); c.4411+3098A>G (NM_001386186.2, NM_001386148.2); c.4213+3098A>G (NM_001354269.3); c.4291+3098A>G (NM_001386187.2); c.4252+3098A>G (NM_001386147.1); and 35 more; short protein forms S1577G, S1499G, S1616G, S1624G, S377G.
Identifiers: ClinVar variation 526956 (VCV000526956.6), dbSNP rs1554550403, ClinGen allele CA357916379.